The following is an entry in ClinVar:

ClinVar aggregate classification (germline): Uncertain significance (1 of 4 stars; one submission).

Conditions:
Dyskeratosis congenita. Identifiers: Orphanet 1775, MedGen C0265965, MONDO:0015780.

Submission:

Sema4
Classification: Uncertain significance for Dyskeratosis congenita. Last evaluated: 2022-02-28. Review status: criteria provided, single submitter. Criteria: Sema4 Curation Guidelines. Collection method: curation. Allele origin: germline.
Comment: The TINF2 c.617C>T (p.T206I) variant has not been reported in the literature to our knowledge. This variant is not reported in the population database Genome Aggregation Database (PMID: 32461654). The variant has not been reported in ClinVar. Functional studies have not been performed, and in silico predictions of the variant's effect on protein function are inconclusive. The evidence is insufficient to meet ACMG/AMP criteria for classifying the variant as benign or pathogenic. Thus, the clinical significance of this variant is currently uncertain.

NM_001099274.3(TINF2):c.617C>T (p.Thr206Ile)

Gene: TINF2 (TERF1 interacting nuclear factor 2; minus strand). Cytogenetic location: 14q12.
Variant type: single nucleotide variant.
Coding change: c.617C>T on transcript NM_001099274.3 (MANE Select); coding-DNA position 617, C replaced by T.
Protein change: p.Thr206Ile; replaces threonine 206 with isoleucine.
Molecular consequence: missense variant.
Genome position (GRCh38, 1-based): chr14:24,240,863, G>A on the plus strand (C>T on the coding strand, the complement: TINF2 is on the minus strand). VCF-style: chr14-24240863-G-A. GRCh37 (hg19) VCF-style: chr14-24710069-G-A.
Other names: c.512C>T, p.Thr171Ile (NM_001363668.2); c.617C>T, p.Thr206Ile (NM_012461.3); short protein forms T171I, T206I.
Identifiers: ClinVar variation 1692548 (VCV001692548.1), dbSNP rs2138999303, ClinGen allele CA389229860.